The following is an entry in ClinVar:

ClinVar aggregate classification (germline): Pathogenic (1 of 4 stars; one submission).

Conditions:
Jeune thoracic dystrophy. Also called: Jeune syndrome; Infantile thoracic dystrophy; Thoracic pelvic phalangeal dystrophy; Jeune's syndrome; Chondroectodermal dysplasia-like syndrome; Short-rib thoracic dysplasia. Identifiers: Orphanet 474, MedGen C0265275, MONDO:0018770.

Submission:

Labcorp Genetics (formerly Invitae), Labcorp
Classification: Pathogenic for Jeune thoracic dystrophy. Last evaluated: 2023-10-29. Review status: criteria provided, single submitter. Criteria: Invitae Variant Classification Sherloc (09022015). Collection method: clinical testing. Allele origin: germline.
Comment: This sequence change creates a premature translational stop signal (p.Ser1414*) in the DYNC2H1 gene. It is expected to result in an absent or disrupted protein product. Loss-of-function variants in DYNC2H1 are known to be pathogenic (PMID: 23339108, 32753734, 33755199). This variant is not present in population databases (gnomAD no frequency). This variant has not been reported in the literature in individuals affected with DYNC2H1-related conditions. For these reasons, this variant has been classified as Pathogenic.

Literature cited by the submitters: PubMed 23339108; PubMed 32753734; PubMed 33755199.

NM_001377.3(DYNC2H1):c.4241C>G (p.Ser1414Ter)

Gene: DYNC2H1 (dynein cytoplasmic 2 heavy chain 1; plus strand). Cytogenetic location: 11q22.3.
Variant type: single nucleotide variant.
Coding change: c.4241C>G on transcript NM_001377.3 (MANE Select); coding-DNA position 4241, C replaced by G.
Protein change: p.Ser1414Ter; replaces serine 1414 with a stop codon.
Molecular consequence: nonsense.
Genome position (GRCh38, 1-based): chr11:103,158,790, C>G. VCF-style: chr11-103158790-C-G. GRCh37 (hg19) VCF-style: chr11-103029519-C-G.
Other names: c.4241C>G, p.Ser1414Ter (NM_001080463.2); short protein forms S1414*.
Identifiers: ClinVar variation 2772659 (VCV002772659.3), dbSNP rs1288124721, ClinGen allele CA382276240.